The following is an entry in ClinVar:

NM_014874.4(MFN2):c.245del (p.Leu82fs)

Gene: MFN2 (mitofusin 2; plus strand). Cytogenetic location: 1p36.22.
Variant type: Deletion.
Coding change: c.245del on transcript NM_014874.4 (MANE Select); coding-DNA position 245, one base deleted (T; older notation c.245delT).
Protein change: p.Leu82fs; shifts the reading frame from leucine 82.
Molecular consequence: frameshift variant.
Genome position (GRCh38, 1-based): chr1:11,992,624, T deleted. VCF-style (leftmost placement, unchanged base first): chr1-11992623-CT-C. GRCh37 (hg19) VCF-style: chr1-12052680-CT-C.
Other names: c.245del, p.Leu82fs (NM_001127660.2); short protein forms L82fs.
Identifiers: ClinVar variation 1353202 (VCV001353202.6), dbSNP rs2100812695, ClinGen allele CA2573130670.

ClinVar aggregate classification (germline): Pathogenic (1 of 4 stars; one submission).

Conditions:
Charcot-Marie-Tooth disease type 2. Also called: Charcot-Marie-Tooth type 2. Identifiers: Orphanet 64746, MedGen C0270914, MONDO:0018993.

Submission:

Labcorp Genetics (formerly Invitae), Labcorp
Classification: Pathogenic for Charcot-Marie-Tooth disease type 2. Last evaluated: 2023-06-30. Review status: criteria provided, single submitter. Criteria: Invitae Variant Classification Sherloc (09022015). Collection method: clinical testing. Allele origin: germline.
Comment: For these reasons, this variant has been classified as Pathogenic. ClinVar contains an entry for this variant (Variation ID: 1353202). This variant has not been reported in the literature in individuals affected with MFN2-related conditions. This variant is not present in population databases (gnomAD no frequency). This sequence change creates a premature translational stop signal (p.Leu82Hisfs*4) in the MFN2 gene. It is expected to result in an absent or disrupted protein product. Loss-of-function variants in MFN2 are known to be pathogenic (PMID: 16714318, 16835246, 21715711, 23781337, 26955893).

Literature cited by the submitters: PubMed 16714318; PubMed 16835246; PubMed 21715711; PubMed 23781337; PubMed 26955893.